The following is an entry in ClinVar:

NM_000787.4(DBH):c.952G>A (p.Ala318Thr)

Gene: DBH (dopamine beta-hydroxylase; plus strand). Cytogenetic location: 9q34.2.
Variant type: single nucleotide variant.
Coding change: c.952G>A on transcript NM_000787.4 (MANE Select); coding-DNA position 952, G replaced by A.
Protein change: p.Ala318Thr; replaces alanine 318 with threonine.
Molecular consequence: missense variant.
Genome position (GRCh38, 1-based): chr9:133,644,248, G>A. VCF-style: chr9-133644248-G-A. GRCh37 (hg19) VCF-style: chr9-136509370-G-A.
Other names: short protein forms A318T.
Identifiers: ClinVar variation 4978377 (VCV004978377.1).

ClinVar aggregate classification (germline): Uncertain significance (1 of 4 stars; one submission).

Conditions:
DBH-related disorder. Also called: DBH-related condition.

gnomAD v4.1: 9 of 1,614,088 alleles (0.00056%); highest among the groups gnomAD compares: African/African-American, 0.0053%; no homozygotes.

Submission:

PreventionGenetics, part of Exact Sciences
Classification: Uncertain significance for DBH-related condition. Last evaluated: 2025-09-02. Review status: criteria provided, single submitter. Criteria: ACMG Guidelines, 2015. Collection method: clinical testing. Allele origin: germline.
Comment: The DBH c.952G>A variant is predicted to result in the amino acid substitution p.Ala318Thr. To our knowledge, this variant has not been reported in the literature. This variant is reported in 0.011% of alleles in individuals of African descent in gnomAD. At this time, the clinical significance of this variant is uncertain due to the absence of conclusive functional and genetic evidence.